The following is an entry in ClinVar:

NM_000392.5(ABCC2):c.3082G>A (p.Gly1028Arg)

Gene: ABCC2 (ATP binding cassette subfamily C member 2; plus strand). Cytogenetic location: 10q24.2.
Variant type: single nucleotide variant.
Coding change: c.3082G>A on transcript NM_000392.5 (MANE Select); coding-DNA position 3082, G replaced by A.
Protein change: p.Gly1028Arg; replaces glycine 1028 with arginine.
Molecular consequence: missense variant.
Genome position (GRCh38, 1-based): chr10:99,831,809, G>A. VCF-style: chr10-99831809-G-A. GRCh37 (hg19) VCF-style: chr10-101591566-G-A.
Other names: c.3082G>A (NM_000392.4); c.3082G>A, p.Gly1028Arg (LRG_1208t1); short protein forms G1028R.
Identifiers: ClinVar variation 498604 (VCV000498604.7), dbSNP rs148887680, ClinGen allele CA5643680.

ClinVar aggregate classification (germline): Uncertain significance. Review status: criteria provided, multiple submitters, no conflicts (2 of 4 stars). 2 submissions from 2 submitters: Uncertain significance (2). Last evaluated 2025-10-13.

Conditions:
ABCC2-related disorder. Also called: ABCC2-related condition.

Allele frequency attached by ClinVar (database versions not stated): ExAC 0.00005; TOPMed 0.00005; gnomAD 0.00006; ESP Exome Variant Server 0.00008.
gnomAD v4.1: 133 of 1,614,006 alleles (0.0082%); highest among the groups gnomAD compares: Non-Finnish European, 0.01%; no homozygotes.

Submissions (2):

PreventionGenetics, part of Exact Sciences
Classification: Uncertain significance for ABCC2-related condition. Last evaluated: 2025-10-13. Review status: criteria provided, single submitter. Criteria: ACMG Guidelines, 2015. Collection method: clinical testing. Allele origin: germline.
Comment: The ABCC2 c.3082G>A variant is predicted to result in the amino acid substitution p.Gly1028Arg. To our knowledge, this variant has not been reported in the literature. This variant is reported in 0.010% of alleles in individuals of European (non-Finnish) descent in gnomAD. At this time, the clinical significance of this variant is uncertain due to the absence of conclusive functional and genetic evidence.

Eurofins Ntd Llc (ga)
Classification: Uncertain significance. Last evaluated: 2016-11-15. Review status: criteria provided, single submitter. Criteria: EGL Classification Definitions 2015. Collection method: clinical testing. Allele origin: germline. Observed: 1 variant allele, 1 heterozygote.